The following is an entry in ClinVar:

NM_000492.4(CFTR):c.712G>C (p.Ala238Pro)

Gene: CFTR (CF transmembrane conductance regulator; plus strand). Cytogenetic location: 7q31.2.
Variant type: single nucleotide variant.
Coding change: c.712G>C on transcript NM_000492.4 (MANE Select); coding-DNA position 712, G replaced by C.
Protein change: p.Ala238Pro; replaces alanine 238 with proline.
Molecular consequence: missense variant.
Genome position (GRCh38, 1-based): chr7:117,535,380, G>C. VCF-style: chr7-117535380-G-C. GRCh37 (hg19) VCF-style: chr7-117175434-G-C.
Other names: short protein forms A238P.
Identifiers: ClinVar variation 928505 (VCV000928505.2), dbSNP rs1413926814, ClinGen allele CA368977124.

ClinVar aggregate classification (germline): Uncertain significance. Review status: criteria provided, single submitter (1 of 4 stars). 2 submissions from 2 submitters: Uncertain significance (1). 1 of the submissions does not count toward it. Last evaluated 2019-10-14.

Conditions:
CFTR-related disorder (CFTR-RD). Also called: CFTR-related condition; CFTR-related disorders. Identifiers: MedGen C5924204, MONDO:7770004.

Allele frequency attached by ClinVar (database versions not stated): gnomAD exomes below 0.00001.
gnomAD v4.1: 3 of 1,613,946 alleles (0.00019%); highest among the groups gnomAD compares: South Asian, 0.0022%; no homozygotes.

Submissions (2):

Women's Health and Genetics/Laboratory Corporation of America, LabCorp
Classification: Uncertain significance. Last evaluated: 2019-10-14. Review status: criteria provided, single submitter. Criteria: LabCorp Variant Classification Summary - May 2015. Collection method: clinical testing. Allele origin: germline.
Comment: Variant summary: CFTR c.712G>C (p.Ala238Pro) results in a non-conservative amino acid change located in the ABC transporter type 1, transmembrane domain (IPR011527) of the encoded protein sequence. Five of five in-silico tools predict a damaging effect of the variant on protein function. The variant was absent in 251392 control chromosomes (gnomAD). The available data on variant occurrences in the general population are insufficient to allow any conclusion about variant significance. To our knowledge, no occurrence of c.712G>C in individuals affected with Cystic Fibrosis and no experimental evidence demonstrating its impact on protein function have been reported. No clinical diagnostic laboratories have submitted clinical-significance assessments for this variant to ClinVar after 2014. Based on the evidence outlined above, the variant was classified as uncertain significance.

Natera, Inc.
Classification: Uncertain significance for CFTR-related disorders. Last evaluated: 2019-06-30. Review status: no assertion criteria provided. Collection method: clinical testing. Allele origin: germline. Not counted in ClinVar's aggregate classification.